The following is an entry in ClinVar:

ClinVar aggregate classification (germline): Uncertain significance (1 of 4 stars; one submission).

Conditions:
Ehlers-Danlos syndrome, classic type, 1 (EDSCL1). Also called: EHLERS-DANLOS SYNDROME, GRAVIS TYPE; EHLERS-DANLOS SYNDROME, SEVERE CLASSIC TYPE; Ehlers-Danlos syndrome, type 1; Ehlers-Danlos Syndrome, Classic Type, COL5A1-Related; EDS I. Identifiers: MedGen C0268335, MONDO:0019567, OMIM 130000.
Osteogenesis imperfecta type I (OI1). Also called: OI, TYPE I; OSTEOGENESIS IMPERFECTA TARDA; OSTEOGENESIS IMPERFECTA WITH BLUE SCLERAE; Osteogenesis imperfecta type 1; Lobstein's Disease; Lobstein disease. Identifiers: Orphanet 216796, Orphanet 666, MedGen C0023931, MONDO:0008146, OMIM 166200. Disease mechanism: loss of function.

gnomAD v4.1: 13 of 1,614,164 alleles (0.00081%); highest among the groups gnomAD compares: South Asian, 0.0011%; no homozygotes.

Submission:

Labcorp Genetics (formerly Invitae), Labcorp
Classification: Uncertain significance for Osteogenesis imperfecta type I; Ehlers-Danlos syndrome, classic type, 1. Last evaluated: 2024-02-17. Review status: criteria provided, single submitter. Criteria: Invitae Variant Classification Sherloc (09022015). Collection method: clinical testing. Allele origin: germline.
Comment: This sequence change replaces isoleucine, which is neutral and non-polar, with valine, which is neutral and non-polar, at codon 1191 of the COL1A2 protein (p.Ile1191Val). This variant is not present in population databases (gnomAD no frequency). This variant has not been reported in the literature in individuals affected with COL1A2-related conditions. ClinVar contains an entry for this variant (Variation ID: 1500735). Advanced modeling of protein sequence and biophysical properties (such as structural, functional, and spatial information, amino acid conservation, physicochemical variation, residue mobility, and thermodynamic stability) performed at Invitae indicates that this missense variant is not expected to disrupt COL1A2 protein function with a negative predictive value of 95%. In summary, the available evidence is currently insufficient to determine the role of this variant in disease. Therefore, it has been classified as a Variant of Uncertain Significance.

NM_000089.4(COL1A2):c.3571A>G (p.Ile1191Val)

Gene: COL1A2 (collagen type I alpha 2 chain; plus strand). Cytogenetic location: 7q21.3.
Variant type: single nucleotide variant.
Coding change: c.3571A>G on transcript NM_000089.4 (MANE Select); coding-DNA position 3571, A replaced by G.
Protein change: p.Ile1191Val; replaces isoleucine 1191 with valine.
Molecular consequence: missense variant.
Genome position (GRCh38, 1-based): chr7:94,428,337, A>G. VCF-style: chr7-94428337-A-G. GRCh37 (hg19) VCF-style: chr7-94057649-A-G.
Other names: short protein forms I1191V.
Identifiers: ClinVar variation 1500735 (VCV001500735.8), dbSNP rs1792328980, ClinGen allele CA368226267.
Genomic context (GRCh38, chr7:94,428,337, plus strand): 5'-GTTATTTTCTTAAAAGGTTACTACTGGATTGACCCTAACCAAGGATGCACTATGGATGCT[A>G]TCAAAGTATACTGTGATTTCTCTACTGGCGAAACCTGTATCCGGGCCCAACCTGAAAACA-3'
Protein context (NP_000080.2, residues 1181-1201): DPNQGCTMDA[Ile1191Val]KVYCDFSTGE